The following is an entry in ClinVar:

NM_004183.4(BEST1):c.103G>A (p.Glu35Lys)

Gene: BEST1 (bestrophin 1; plus strand). Cytogenetic location: 11q12.3.
Variant type: single nucleotide variant.
Coding change: c.103G>A on transcript NM_004183.4 (MANE Select); coding-DNA position 103, G replaced by A.
Protein change: p.Glu35Lys; replaces glutamic acid 35 with lysine.
Molecular consequence: missense variant. On other transcripts: non-coding transcript variant (1), intron variant (6).
Genome position (GRCh38, 1-based): chr11:61,951,909, G>A. VCF-style: chr11-61951909-G-A. GRCh37 (hg19) VCF-style: chr11-61719381-G-A.
Other names: c.103G>A, p.Glu35Lys (NM_001363592.2, NM_001440571.1, NM_001440572.1 and 1 more transcripts); c.-29+1482G>A (NM_001139443.3, NM_001300787.2, NM_001440574.1 and 3 more transcripts); short protein forms E35K.
Identifiers: ClinVar variation 279702 (VCV000279702.18), dbSNP rs886041142, ClinGen allele CA10603253.

ClinVar aggregate classification (germline): Pathogenic/Likely pathogenic. Review status: criteria provided, multiple submitters, no conflicts (2 of 4 stars). 7 submissions from 7 submitters: Pathogenic (2); Likely pathogenic (5). Last evaluated 2026-03-01.

Conditions:
BEST1-related disorder. Also called: BEST1-related disorders; BEST1-related condition. Identifiers: MedGen CN239200.
Retinal dystrophy. Also called: Inherited retinal dystrophy. Identifiers: Orphanet 71862, MedGen C0854723, MeSH D058499, MONDO:0019118, HP:0000556.
Autosomal recessive bestrophinopathy. Also called: Autosomal Recessive Bestrophinopathy (ARB). Identifiers: Orphanet 139455, MedGen C3888198, MONDO:0012733, OMIM 611809.

Allele frequency attached by ClinVar (database versions not stated): gnomAD 0.00001; gnomAD exomes 0.00002; TOPMed 0.00002.
gnomAD v4.1: 31 of 1,613,556 alleles (0.0019%); highest among the groups gnomAD compares: Non-Finnish European, 0.0018%; no homozygotes.

Submissions (7):

CeGaT Center for Human Genetics Tuebingen
Classification: Likely pathogenic. Last evaluated: 2026-03-01. Review status: criteria provided, single submitter. Criteria: CeGaT Center For Human Genetics Tuebingen Variant Classification Criteria Version 2. Collection method: clinical testing. Allele origin: germline. Affected: yes. Observed: 1 variant allele.
Comment: BEST1: PM3:Strong, PM1, PM2, PP3

Labcorp Genetics (formerly Invitae), Labcorp
Classification: Pathogenic. Last evaluated: 2025-10-24. Review status: criteria provided, single submitter. Criteria: Invitae Variant Classification Sherloc (09022015). Collection method: clinical testing. Allele origin: germline.
Comment: This sequence change replaces glutamic acid, which is acidic and polar, with lysine, which is basic and polar, at codon 35 of the BEST1 protein (p.Glu35Lys). This variant is not present in population databases (gnomAD no frequency). This missense change has been observed in individuals with autosomal recessive Best disease (PMID: 28559085, 31766397, 34015078). ClinVar contains an entry for this variant (Variation ID: 279702). Invitae Evidence Modeling of protein sequence and biophysical properties (such as structural, functional, and spatial information, amino acid conservation, physicochemical variation, residue mobility, and thermodynamic stability) indicates that this missense variant is expected to disrupt BEST1 protein function with a positive predictive value of 95%. For these reasons, this variant has been classified as Pathogenic.

PreventionGenetics, part of Exact Sciences
Classification: Likely pathogenic for BEST1-related condition. Last evaluated: 2025-07-21. Review status: criteria provided, single submitter. Criteria: ACMG Guidelines, 2015. Collection method: clinical testing. Allele origin: germline.
Comment: The BEST1 c.103G>A variant is predicted to result in the amino acid substitution p.Glu35Lys. This variant has been reported in the homozygous state and in the heterozygous state along with a second BEST1 variant in individuals with autosomal recessive Best macular dystrophy (Table S1 in Stone et al. 2017. PubMed ID: 28559085; Habibi et al. 2019. PubMed ID: 31766397; Pfister et al. 2021. PubMed ID: 34015078; Haque et al. 2022. PubMed ID: 36527004). This variant has not been reported in a large population database (gnomAD), indicating this variant is rare. This variant is interpreted as likely pathogenic for autosomal recessive disease.

3billion
Classification: Likely pathogenic for Autosomal recessive bestrophinopathy. Last evaluated: 2023-02-23. Review status: criteria provided, single submitter. Criteria: ACMG Guidelines, 2015. Collection method: clinical testing. Allele origin: unknown. Affected: yes.
Comment: The variant is not observed in the gnomAD v2.1.1 dataset. Missense changes are a common disease-causing mechanism. In silico tool predictions suggest damaging effect of the variant on gene or gene product (REVEL: 0.98; 3Cnet: 0.99). Same nucleotide change resulting in same amino acid change has been previously reported as pathogenic/likely pathogenic with strong evidence (ClinVar ID: VCV000279702). Therefore, this variant is classified as Likely pathogenic according to the recommendation of ACMG/AMP guideline.

Blueprint Genetics
Classification: Pathogenic for BEST1-related disorders. Last evaluated: 2022-05-16. Review status: criteria provided, single submitter. Criteria: ACMG Guidelines, 2015. Collection method: clinical testing. Allele origin: germline. Affected: yes. Observed: 5 variant alleles.

GeneDx
Classification: Likely pathogenic. Last evaluated: 2018-10-18. Review status: criteria provided, single submitter. Criteria: GeneDx Variant Classification (06012015). Collection method: clinical testing. Allele origin: germline. Affected: yes.
Comment: The E35K variant in the BEST1 gene has been reported previously in an individual with autosomal recessive bestrophinopathy with no second disease-causing variant identified (Tian et al., 2017). The E35K variant has also been reported in an individual with best macular dystrophy, although further information was not provided (Maia-Lopes et al., 2008). The E35K variant is not observed in large population cohorts (Lek et al., 2016). The E35K variant is a non-conservative amino acid substitution, which is likely to impact secondary protein structure as these residues differ in polarity, charge, size and/or other properties. In-silico analyses, including protein predictors and evolutionary conservation, support a deleterious effect. We interpret E35K as a likely pathogenic variant.

Institute of Human Genetics, Univ. Regensburg, Univ. Regensburg
Classification: Likely pathogenic for Retinal dystrophy. Last evaluated: 2017-01-01. Review status: criteria provided, single submitter. Criteria: ACMG Guidelines, 2015. Collection method: clinical testing. Allele origin: germline. Affected: yes.

Literature cited by the submitters: PubMed 28559085 (cited by Labcorp Genetics (formerly Invitae), Labcorp and Institute of Human Genetics, Univ. Regensburg, Univ. Regensburg); PubMed 31766397 (cited by Labcorp Genetics (formerly Invitae), Labcorp and Institute of Human Genetics, Univ. Regensburg, Univ. Regensburg); PubMed 34015078 (cited by Labcorp Genetics (formerly Invitae), Labcorp and Institute of Human Genetics, Univ. Regensburg, Univ. Regensburg); PubMed 28687848 (cited by Institute of Human Genetics, Univ. Regensburg, Univ. Regensburg); PubMed 36527006 (cited by Institute of Human Genetics, Univ. Regensburg, Univ. Regensburg).